The following is an entry in ClinVar:

NM_002439.5(MSH3):c.2329G>A (p.Val777Met)

Gene: MSH3 (mutS homolog 3; plus strand). Cytogenetic location: 5q14.1.
Variant type: single nucleotide variant.
Coding change: c.2329G>A on transcript NM_002439.5 (MANE Select); coding-DNA position 2329, G replaced by A.
Protein change: p.Val777Met; replaces valine 777 with methionine.
Molecular consequence: missense variant.
Genome position (GRCh38, 1-based): chr5:80,778,730, G>A. VCF-style: chr5-80778730-G-A. GRCh37 (hg19) VCF-style: chr5-80074549-G-A.
Other names: short protein forms V777M.
Identifiers: ClinVar variation 3398706 (VCV003398706.1).

ClinVar aggregate classification (germline): Uncertain significance (1 of 4 stars; one submission).

Conditions:
Hereditary cancer-predisposing syndrome. Also called: Hereditary Cancer Syndrome; Tumor predisposition; Hereditary neoplastic syndrome; Neoplastic Syndromes, Hereditary. Identifiers: Orphanet 140162, MedGen C0027672, MeSH D009386, MONDO:0015356.

Submission:

Ambry Genetics
Classification: Uncertain significance for Hereditary cancer-predisposing syndrome. Last evaluated: 2024-08-01. Review status: criteria provided, single submitter. Criteria: Ambry Variant Classification Scheme 2023. Collection method: clinical testing. Allele origin: germline.
Comment: The p.V777M variant (also known as c.2329G>A), located in coding exon 17 of the MSH3 gene, results from a G to A substitution at nucleotide position 2329. The valine at codon 777 is replaced by methionine, an amino acid with highly similar properties. This amino acid position is conserved. In addition, the in silico prediction for this alteration is inconclusive. Based on the available evidence, the clinical significance of this variant remains unclear.